The following is an entry in ClinVar:

ClinVar aggregate classification (germline): Uncertain significance (1 of 4 stars; one submission).

Conditions:
Charcot-Marie-Tooth disease type 4. Also called: Charcot-Marie-Tooth disease, type IV; Charcot-Marie-Tooth, Type 4. Identifiers: Orphanet 64749, MedGen C4082197, MONDO:0018995.

Submission:

Labcorp Genetics (formerly Invitae), Labcorp
Classification: Uncertain significance for Charcot-Marie-Tooth disease type 4. Last evaluated: 2022-02-24. Review status: criteria provided, single submitter. Criteria: Invitae Variant Classification Sherloc (09022015). Collection method: clinical testing. Allele origin: germline.
Comment: This variant is not present in population databases (gnomAD no frequency). In summary, the available evidence is currently insufficient to determine the role of this variant in disease. Therefore, it has been classified as a Variant of Uncertain Significance. Algorithms developed to predict the effect of missense changes on protein structure and function are either unavailable or do not agree on the potential impact of this missense change (SIFT: "Deleterious"; PolyPhen-2: "Benign"; Align-GVGD: "Class C0"). ClinVar contains an entry for this variant (Variation ID: 856544). This variant has not been reported in the literature in individuals affected with NDRG1-related conditions. This sequence change replaces valine, which is neutral and non-polar, with glutamic acid, which is acidic and polar, at codon 17 of the NDRG1 protein (p.Val17Glu).

NM_006096.4(NDRG1):c.50T>A (p.Val17Glu)

Gene: NDRG1 (N-myc downstream regulated 1; minus strand). Cytogenetic location: 8q24.22.
Variant type: single nucleotide variant.
Coding change: c.50T>A on transcript NM_006096.4 (MANE Select); coding-DNA position 50, T replaced by A.
Protein change: p.Val17Glu; replaces valine 17 with glutamic acid.
Molecular consequence: missense variant. On other transcripts: 5 prime UTR variant (1), intron variant (2).
Genome position (GRCh38, 1-based): chr8:133,284,262, A>T on the plus strand (T>A on the coding strand, the complement: NDRG1 is on the minus strand). VCF-style: chr8-133284262-A-T. GRCh37 (hg19) VCF-style: chr8-134296505-A-T.
Other names: c.50T>A, p.Val17Glu (NM_001135242.2, NM_001374844.1, NM_001374845.1 and 1 more transcripts); c.-88T>A (NM_001258433.2); c.-100+12872T>A (NM_001258432.2); c.-135-3995T>A (NM_001374847.1); short protein forms V17E.
Identifiers: ClinVar variation 856544 (VCV000856544.9), dbSNP rs1857975791, ClinGen allele CA372248778.